The following is an entry in ClinVar:

NM_000392.5(ABCC2):c.2942T>C (p.Phe981Ser)

Gene: ABCC2 (ATP binding cassette subfamily C member 2; plus strand). Cytogenetic location: 10q24.2.
Variant type: single nucleotide variant.
Coding change: c.2942T>C on transcript NM_000392.5 (MANE Select); coding-DNA position 2942, T replaced by C.
Protein change: p.Phe981Ser; replaces phenylalanine 981 with serine.
Molecular consequence: missense variant.
Genome position (GRCh38, 1-based): chr10:99,831,669, T>C. VCF-style: chr10-99831669-T-C. GRCh37 (hg19) VCF-style: chr10-101591426-T-C.
Other names: c.2942T>C, p.Phe981Ser (LRG_1208t1); c.2942T>C (NM_000392.4); short protein forms F981S.
Identifiers: ClinVar variation 597699 (VCV000597699.6), dbSNP rs767455559, ClinGen allele CA5643650.
Genomic context (GRCh38, chr10:99,831,669, plus strand): 5'-AGGTGAAGTTCTCCATCTACCTGGAGTACCTACAAGCAATAGGATTGTTTTCGATATTCT[T>C]CATCATCCTTGCGTTTGTGATGAATTCTGTGGCTTTTATTGGATCCAACCTCTGGCTCAG-3'
Protein context (NP_000383.2, residues 971-991): LQAIGLFSIF[Phe981Ser]IILAFVMNSV

ClinVar aggregate classification (germline): Uncertain significance. Review status: criteria provided, multiple submitters, no conflicts (2 of 4 stars). 2 submissions from 2 submitters: Uncertain significance (2). Last evaluated 2026-06-13.

Conditions:
ABCC2-related disorder. Also called: ABCC2-related condition.

Allele frequency attached by ClinVar (database versions not stated): gnomAD exomes below 0.00001; ExAC 0.00001; TOPMed 0.00003; gnomAD 0.00005 and 0.00006.
gnomAD v4.1: 11 of 1,614,102 alleles (0.00068%); highest among the groups gnomAD compares: African/African-American, 0.015%; no homozygotes.

Submissions (2):

PreventionGenetics, part of Exact Sciences
Classification: Uncertain significance for ABCC2-related condition. Last evaluated: 2026-06-13. Review status: criteria provided, single submitter. Criteria: ACMG Guidelines, 2015. Collection method: clinical testing. Allele origin: germline.
Comment: The ABCC2 c.2942T>C variant is predicted to result in the amino acid substitution p.Phe981Ser. To our knowledge, this variant has not been reported in the literature. This variant is reported in 0.0080% of alleles in individuals of African descent in gnomAD. At this time, the clinical significance of this variant is uncertain due to the absence of conclusive functional and genetic evidence.

Eurofins Ntd Llc (ga)
Classification: Uncertain significance. Last evaluated: 2018-06-25. Review status: criteria provided, single submitter. Criteria: EGL ClinVar v180209 classification definitions. Collection method: clinical testing. Allele origin: germline. Observed: 1 variant allele, 1 heterozygote.